The following is an entry in ClinVar:

NM_020778.5(ALPK3):c.2437dup (p.Val813fs)

Gene: ALPK3 (alpha kinase 3; plus strand). Cytogenetic location: 15q25.3.
Variant type: Duplication.
Coding change: c.2437dup on transcript NM_020778.5 (MANE Select); coding-DNA position 2437, one base duplicated (G; older notation c.2437dupG).
Protein change: p.Val813fs; shifts the reading frame from valine 813.
Molecular consequence: frameshift variant.
Genome position (GRCh38, 1-based): chr15:84,857,175, G duplicated; the last of 2 consecutive G bases (chr15:84,857,174-84,857,175); duplicating either gives the same sequence. VCF-style (leftmost placement, unchanged base first): chr15-84857173-A-AG. GRCh37 (hg19) VCF-style: chr15-85400404-A-AG.
Other names: short protein forms V813fs.
Identifiers: ClinVar variation 1376298 (VCV001376298.6), dbSNP rs765189194, ClinGen allele CA7709413.

ClinVar aggregate classification (germline): Pathogenic (1 of 4 stars; one submission).

Submission:

Labcorp Genetics (formerly Invitae), Labcorp
Classification: Pathogenic. Last evaluated: 2022-05-11. Review status: criteria provided, single submitter. Criteria: Invitae Variant Classification Sherloc (09022015). Collection method: clinical testing. Allele origin: germline.
Comment: For these reasons, this variant has been classified as Pathogenic. Algorithms developed to predict the effect of sequence changes on RNA splicing suggest that this variant may create or strengthen a splice site. This variant has not been reported in the literature in individuals affected with ALPK3-related conditions. This variant is present in population databases (rs765189194, gnomAD 0.0009%). This sequence change creates a premature translational stop signal (p.Val1015Glyfs*66) in the ALPK3 gene. It is expected to result in an absent or disrupted protein product. Loss-of-function variants in ALPK3 are known to be pathogenic (PMID: 21441111, 26846950, 27106955, 34263907).

Literature cited by the submitters: PubMed 21441111; PubMed 26846950; PubMed 27106955; PubMed 34263907.